The following is an entry in ClinVar:

ClinVar aggregate classification (germline): Uncertain significance (1 of 4 stars; one submission).

Submission:

GeneDx
Classification: Uncertain significance. Last evaluated: 2024-12-02. Review status: criteria provided, single submitter. Criteria: GeneDx Variant Classification Process June 2021. Collection method: clinical testing. Allele origin: germline. Affected: yes.
Comment: Nonsense variant predicted to result in protein truncation or nonsense mediated decay in a gene for which loss of function is a known mechanism of disease; Has not been previously published as pathogenic or benign to our knowledge

NM_022552.5(DNMT3A):c.1600C>T (p.Gln534Ter)

Gene: DNMT3A (DNA methyltransferase 3 alpha; minus strand). Cytogenetic location: 2p23.3.
Variant type: single nucleotide variant.
Coding change: c.1600C>T on transcript NM_022552.5 (MANE Select); coding-DNA position 1600, C replaced by T.
Protein change: p.Gln534Ter; replaces glutamine 534 with a stop codon.
Molecular consequence: nonsense. On other transcripts: non-coding transcript variant (1).
Genome position (GRCh38, 1-based): chr2:25,244,607, G>A on the plus strand (C>T on the coding strand, the complement: DNMT3A is on the minus strand). VCF-style: chr2-25244607-G-A. GRCh37 (hg19) VCF-style: chr2-25467476-G-A.
Other names: c.1144C>T, p.Gln382Ter (NM_001320893.1); c.931C>T, p.Gln311Ter (NM_001375819.1); c.1033C>T, p.Gln345Ter (NM_153759.3); c.1600C>T, p.Gln534Ter (NM_175629.2); short protein forms Q311*, Q345*, Q382*, Q534*.
Identifiers: ClinVar variation 3900943 (VCV003900943.1).